The following is an entry in ClinVar:

NM_001114753.3(ENG):c.1216C>G (p.Arg406Gly)

Genes: ENG (endoglin; minus strand), LOC102723566 (uncharacterized LOC102723566; plus strand). Cytogenetic location: 9q34.11.
Variant type: single nucleotide variant.
Coding change: c.1216C>G on transcript NM_001114753.3 (MANE Select); coding-DNA position 1216, C replaced by G.
Protein change: p.Arg406Gly; replaces arginine 406 with glycine.
Molecular consequence: missense variant.
Genome position (GRCh38, 1-based): chr9:127,819,956, G>C on the plus strand (C>G on the coding strand, the complement: ENG is on the minus strand). VCF-style: chr9-127819956-G-C. GRCh37 (hg19) VCF-style: chr9-130582235-G-C.
Other names: c.1216C>G (NM_001114753.1); c.1216C>G, p.Arg406Gly (NM_000118.4); c.670C>G, p.Arg224Gly (NM_001278138.2); short protein forms R224G, R406G.
Identifiers: ClinVar variation 993901 (VCV000993901.17), dbSNP rs751787590, ClinGen allele CA5252845.
Genomic context (GRCh38, chr9:127,819,956, plus strand): 5'-TTACCTCATTGCTGATCATACTTGCTGACACCTGCATGCCACAGCTGGAGTAAGCACTGC[G>C]CAAGACAAACTTGTCACCCCTGTCCTCTGCCTCACAGCTGGGGTCCCAGAAGGTCAGGCC-3'
Protein context (NP_001108225.1, residues 396-416): AEDRGDKFVL[Arg406Gly]SAYSSCGMQV

ClinVar aggregate classification (germline): Conflicting classifications of pathogenicity. Review status: criteria provided, conflicting classifications (1 of 4 stars). 3 submissions from 3 submitters: Uncertain significance (2); Likely benign (1). Last evaluated 2026-08-18.

Conditions:
Telangiectasia, hereditary hemorrhagic, type 1 (HHT1). Also called: Osler Weber Rendu syndrome type 1; ENG-Related Hereditary Hemorrhagic Telangiectasia. Identifiers: Orphanet 774, MedGen C4551861, MONDO:0008535, OMIM 187300. Disease mechanism: loss of function.
Hereditary hemorrhagic telangiectasia (HHT). Also called: Osler hemorrhagic telangiectasia syndrome; ORW DISEASE; Osler Weber Rendu syndrome; OSLER-RENDU-WEBER DISEASE. Identifiers: Orphanet 774, MedGen C0039445, MONDO:0019180. Disease mechanism: loss of function.
Cardiovascular phenotype. Identifiers: MedGen CN230736.

Allele frequency attached by ClinVar (database versions not stated): TOPMed 0.00001.

Submissions (3):

Ambry Genetics
Classification: Uncertain significance for Cardiovascular phenotype. Last evaluated: 2026-08-18. Review status: criteria provided, single submitter. Criteria: Ambry Variant Classification Scheme 2023. Collection method: clinical testing. Allele origin: germline.

Labcorp Genetics (formerly Invitae), Labcorp
Classification: Likely benign for Hereditary hemorrhagic telangiectasia. Last evaluated: 2024-04-11. Review status: criteria provided, single submitter. Criteria: Invitae Variant Classification Sherloc (09022015). Collection method: clinical testing. Allele origin: germline.

ARUP Laboratories, Molecular Genetics and Genomics, ARUP Laboratories
Classification: Uncertain significance for Telangiectasia, hereditary hemorrhagic, type 1. Last evaluated: 2020-05-29. Review status: criteria provided, single submitter. Criteria: ARUP Molecular Germline Variant Investigation Process. Collection method: clinical testing. Allele origin: germline.
Comment: The ENG c.1216C>G; p.Arg406Gly variant (rs751787590), to our knowledge, is not reported in the medical literature or gene specific databases. This variant is only observed on one allele in the Genome Aggregation Database, indicating it is not a common polymorphism. The arginine at codon 406 is weakly conserved, and computational analyses (SIFT, PolyPhen-2) predict that this variant is tolerated. Due to limited information, the clinical significance of this variant is uncertain at this time.